The following is an entry in ClinVar:

ClinVar aggregate classification (germline): Uncertain significance. Review status: criteria provided, multiple submitters, no conflicts (2 of 4 stars). 2 submissions from 2 submitters: Uncertain significance (2). Last evaluated 2021-08-30.

Conditions:
Deficiency of aromatic-L-amino-acid decarboxylase. Also called: DDC DEFICIENCY; DOPA DECARBOXYLASE DEFICIENCY; Aromatic amino acid decarboxylase deficiency; Aromatic L-Amino Acid Decarboxylase Deficiency; AADC DEFICIENCY. Identifiers: Orphanet 35708, MedGen C1291564, MONDO:0012084, OMIM 608643.
Inborn genetic diseases. Identifiers: MedGen C0950123, MeSH D030342.

Allele frequency attached by ClinVar (database versions not stated): gnomAD exomes below 0.00001 and 0.00001; TOPMed below 0.00001; ExAC 0.00001.
gnomAD v4.1: 4 of 1,606,194 alleles (0.00025%); highest among the groups gnomAD compares: East Asian, 0.0067%; no homozygotes.

Submissions (2):

Ambry Genetics
Classification: Uncertain significance for Inborn genetic diseases. Last evaluated: 2021-08-30. Review status: criteria provided, single submitter. Criteria: Ambry Variant Classification Scheme 2023. Collection method: clinical testing. Allele origin: germline.

Labcorp Genetics (formerly Invitae), Labcorp
Classification: Uncertain significance for Deficiency of aromatic-L-amino-acid decarboxylase. Last evaluated: 2021-02-06. Review status: criteria provided, single submitter. Criteria: Invitae Variant Classification Sherloc (09022015). Collection method: clinical testing. Allele origin: germline.
Comment: Algorithms developed to predict the effect of missense changes on protein structure and function (SIFT, PolyPhen-2, Align-GVGD) all suggest that this variant is likely to be disruptive, but these predictions have not been confirmed by published functional studies and their clinical significance is uncertain. This variant has not been reported in the literature in individuals with DDC-related conditions. This variant is present in population databases (rs755858178, ExAC 0.01%). This sequence change replaces isoleucine with valine at codon 378 of the DDC protein (p.Ile378Val). The isoleucine residue is highly conserved and there is a small physicochemical difference between isoleucine and valine. In summary, the available evidence is currently insufficient to determine the role of this variant in disease. Therefore, it has been classified as a Variant of Uncertain Significance.

NM_001082971.2(DDC):c.1132A>G (p.Ile378Val)

Gene: DDC (dopa decarboxylase; minus strand). Cytogenetic location: 7p12.2.
Variant type: single nucleotide variant.
Coding change: c.1132A>G on transcript NM_001082971.2 (MANE Select); coding-DNA position 1132, A replaced by G.
Protein change: p.Ile378Val; replaces isoleucine 378 with valine.
Molecular consequence: missense variant.
Genome position (GRCh38, 1-based): chr7:50,470,081, T>C on the plus strand (A>G on the coding strand, the complement: DDC is on the minus strand). VCF-style: chr7-50470081-T-C. GRCh37 (hg19) VCF-style: chr7-50537779-T-C.
Other names: c.1132A>G, p.Ile378Val (NM_000790.4); c.1018A>G, p.Ile340Val (NM_001242886.2); c.988A>G, p.Ile330Val (NM_001242887.2); c.898A>G, p.Ile300Val (NM_001242888.2); c.853A>G, p.Ile285Val (NM_001242889.2); c.1132A>G (NM_000790.3); short protein forms I285V, I340V, I300V, I330V, I378V.
Identifiers: ClinVar variation 1508083 (VCV001508083.9), dbSNP rs755858178, ClinGen allele CA4262065.